The following is an entry in ClinVar:

ClinVar aggregate classification (germline): Likely pathogenic (1 of 4 stars; one submission).

Conditions:
COG7 congenital disorder of glycosylation (CDG2E). Also called: CONGENITAL DISORDER OF GLYCOSYLATION, TYPE IIe; CDG IIe. Identifiers: Orphanet 79333, MedGen C2931010, MONDO:0012118, OMIM 608779.

Submissions (2):

Diagnostics Services (NGS), CSIR - Centre For Cellular And Molecular Biology
Classification: Likely pathogenic for COG7 congenital disorder of glycosylation. Last evaluated: 2026-08-06. Review status: criteria provided, single submitter. Criteria: ACMG Guidelines, 2015. Collection method: clinical testing. Allele origin: germline. Affected: no. Observed: 1 variant allele, 1 heterozygote.

Dr. Peter K. Rogan Lab, Western University
No classification provided (evidence only). Condition: Lung cancer. Review status: no classification provided. Collection method: in vitro. Allele origin: not applicable. Functional consequence: cryptic splice site, skipped exon. Not counted in ClinVar's aggregate classification.

NM_153603.4(COG7):c.1888-1G>T

Gene: COG7 (component of oligomeric golgi complex 7; minus strand). Cytogenetic location: 16p12.2.
Variant type: single nucleotide variant.
Coding change: c.1888-1G>T on transcript NM_153603.4 (MANE Select); the canonical splice acceptor site of the intron before coding-DNA position 1888, G replaced by T.
Molecular consequence: splice acceptor variant.
Genome position (GRCh38, 1-based): chr16:23,393,348, C>A on the plus strand (G>T on the coding strand, the complement: COG7 is on the minus strand). VCF-style: chr16-23393348-C-A. GRCh37 (hg19) VCF-style: chr16-23404669-C-A.
Other names: NC_000016.9:g.23404669C>A.
Identifiers: ClinVar variation 4409610 (VCV004409610.2).
Genomic context (GRCh38, chr16:23,393,348, plus strand): 5'-GTCCTCCTGAGTCACAAATGGCTCAAGATTCAGGGGGAGGGACATGATGTACTGCCCGAT[C>A]TGAAACAAAAGAAAGCGCTGTTAGCCTGACATTGACACATACGGGTTATTACTTTATGGG-3'